The following is an entry in ClinVar:

ClinVar aggregate classification (germline): Conflicting classifications of pathogenicity. Review status: criteria provided, conflicting classifications (1 of 4 stars). 2 submissions from 2 submitters: Uncertain significance (1); Likely benign (1). Last evaluated 2025-06-14.

gnomAD v4.1: 16 of 1,575,184 alleles (0.001%); highest among the groups gnomAD compares: East Asian, 0.0068%; no homozygotes.

Submissions (2):

Labcorp Genetics (formerly Invitae), Labcorp
Classification: Uncertain significance. Last evaluated: 2025-06-14. Review status: criteria provided, single submitter. Criteria: Invitae Variant Classification Sherloc (09022015). Collection method: clinical testing. Allele origin: germline.
Comment: This sequence change replaces arginine, which is basic and polar, with glutamine, which is neutral and polar, at codon 664 of the TCIRG1 protein (p.Arg664Gln). The frequency data for this variant in the population databases is considered unreliable, as metrics indicate poor data quality at this position in the gnomAD database. This variant has not been reported in the literature in individuals affected with TCIRG1-related conditions. Invitae Evidence Modeling of protein sequence and biophysical properties (such as structural, functional, and spatial information, amino acid conservation, physicochemical variation, residue mobility, and thermodynamic stability) indicates that this missense variant is not expected to disrupt TCIRG1 protein function with a negative predictive value of 80%. In summary, the available evidence is currently insufficient to determine the role of this variant in disease. Therefore, it has been classified as a Variant of Uncertain Significance.

Blueprint Genetics
Classification: Likely benign. Last evaluated: 2024-04-22. Review status: criteria provided, single submitter. Criteria: ACMG Guidelines, 2015. Collection method: clinical testing. Allele origin: germline.

NM_006019.4(TCIRG1):c.1991G>A (p.Arg664Gln)

Gene: TCIRG1 (T cell immune regulator 1, ATPase H+ transporting V0 subunit a3; plus strand). Cytogenetic location: 11q13.2.
Variant type: single nucleotide variant.
Coding change: c.1991G>A on transcript NM_006019.4 (MANE Select); coding-DNA position 1991, G replaced by A.
Protein change: p.Arg664Gln; replaces arginine 664 with glutamine.
Molecular consequence: missense variant.
Genome position (GRCh38, 1-based): chr11:68,049,766, G>A. VCF-style: chr11-68049766-G-A. GRCh37 (hg19) VCF-style: chr11-67817233-G-A.
Other names: c.1097G>A, p.Arg366Gln (NM_001351059.2); c.1991G>A, p.Arg664Gln (NM_001440552.1, NM_001440553.1, NM_001440554.1 and 2 more transcripts); c.1949G>A, p.Arg650Gln (NM_001440555.1, NM_001440556.1, NM_001440563.1); c.1778G>A, p.Arg593Gln (NM_001440559.1, NM_001440560.1, NM_001440561.1 and 2 more transcripts); c.1736G>A, p.Arg579Gln (NM_001440564.1); c.1691G>A, p.Arg564Gln (NM_001440565.1); c.1529G>A, p.Arg510Gln (NM_001440567.1); c.1523G>A, p.Arg508Gln (NM_001440568.1); and 2 more; short protein forms R366Q, R564Q, R579Q, R448Q, R593Q, R664Q, R344Q, R508Q.
Identifiers: ClinVar variation 4737049 (VCV004737049.2).